The following is an entry in ClinVar:

ClinVar aggregate classification (germline): Uncertain significance (1 of 4 stars; one submission).

Submission:

Women's Health and Genetics/Laboratory Corporation of America, LabCorp
Classification: Uncertain significance. Last evaluated: 2022-08-26. Review status: criteria provided, single submitter. Criteria: LabCorp Variant Classification Summary - May 2015. Collection method: clinical testing. Allele origin: germline.
Comment: Variant summary: C16orf35 (also known as NPRL3) c.630-6_630-5delCT alters a nucleotide located close to a canonical splice site and therefore could affect mRNA splicing, leading to a significantly altered protein sequence. 4/4 computational tools predict no significant impact on normal splicing. However, these predictions have yet to be confirmed by functional studies. The variant was absent in 196236 control chromosomes (gnomAD). The available data on variant occurrences in the general population are insufficient to allow any conclusion about variant significance. To our knowledge, no occurrence of c.630-6_630-5delCT in individuals affected with Epilepsy, Familial Focal, With Variable Foci 3 and no experimental evidence demonstrating its impact on protein function have been reported. No clinical diagnostic laboratories have submitted clinical-significance assessments for this variant to ClinVar after 2014. Based on the evidence outlined above, the variant was classified as uncertain significance.

NM_001077350.3(NPRL3):c.630-10CT[2]

Genes: HBA-LCR (alpha-globin locus control region; plus strand), NPRL3 (NPR3 like, GATOR1 complex subunit; minus strand). Cytogenetic location: 16p13.3.
Variant type: Microsatellite.
Coding change: c.630-10CT[2] on transcript NM_001077350.3 (MANE Select); two copies in a row of the 2-base unit CT starting at c.630-10; the reference has three copies in a row; one copy, 2 bases deleted.
Molecular consequence: intron variant.
Genome position (GRCh38, 1-based): chr16:100,514-100,515, AG deleted on the plus strand (CT on the coding strand, the reverse complement: NPRL3 is on the minus strand); deleting any 2 consecutive bases within chr16:100,514-100,519 gives the same sequence; the position shown is the placement nearest the transcript's 3' end. VCF-style (leftmost placement, unchanged base first): chr16-100513-CAG-C. GRCh37 (hg19) VCF-style: chr16-150511-CAG-C.
Other names: c.396-10CT[2] (NM_001243247.2); c.555-10CT[2] (NM_001243248.2, NM_001243249.2); c.93-10CT[2] (NM_001039476.3).
Identifiers: ClinVar variation 1722492 (VCV001722492.1), dbSNP rs1337734210, ClinGen allele CA620163474.
Genomic context (GRCh38, chr16:100,513, plus strand): 5'-AAGCTCACCTCCAGCCAGCTGTTGATGTGAAGCCGAACTACGCCCGACGTGCACAGGCTG[CAG>C]AGAGTGGGCGCTGTTACCCGTTCACATAAACTTTCTAACCATGCACACAGATCAGAAAAC-3'